The following is an entry in ClinVar:

ClinVar aggregate classification (germline): Likely pathogenic (1 of 4 stars; one submission).

Conditions:
Epilepsy, familial focal, with variable foci 3 (FFEVF3). Identifiers: MedGen C4310708, MONDO:0014925, OMIM 617118.

Submission:

Labcorp Genetics (formerly Invitae), Labcorp
Classification: Likely pathogenic for Epilepsy, familial focal, with variable foci 3. Last evaluated: 2023-09-30. Review status: criteria provided, single submitter. Criteria: Invitae Variant Classification Sherloc (09022015). Collection method: clinical testing. Allele origin: germline.
Comment: This variant results in a copy number gain of the genomic region encompassing exon(s) 4-9 of the NPRL3 gene. While the exact position of this variant cannot be determined from the data, sub-genic copy number gains are generally in tandem (PMID: 25640679). This variant is predicted to be out-of-frame, and may result in an absent or disrupted protein product. Loss-of-function variants in NPRL3 are known to be pathogenic (PMID: 26285051, 26505888). A similar copy number variant has been observed in individual(s) with clinical features of NPRL3-related conditions (Invitae). In summary, the currently available evidence indicates that the variant is pathogenic, but additional data are needed to prove that conclusively. Therefore, this variant has been classified as Likely Pathogenic.

Literature cited by the submitters: PubMed 25640679; PubMed 26285051; PubMed 26505888.

NC_000016.9:g.(?_148123)_(169274_?)dup

Gene: NPRL3 (NPR3 like, GATOR1 complex subunit; minus strand). Cytogenetic location: 16p13.3.
Variant type: Duplication.
Identifiers: ClinVar variation 2423608 (VCV002423608.3).